The following is an entry in ClinVar:

NM_000235.4(LIPA):c.314G>T (p.Gly105Val)

Gene: LIPA (lipase A, lysosomal acid type; minus strand). Cytogenetic location: 10q23.31.
Variant type: single nucleotide variant.
Coding change: c.314G>T on transcript NM_000235.4 (MANE Select); coding-DNA position 314, G replaced by T.
Protein change: p.Gly105Val; replaces glycine 105 with valine.
Molecular consequence: missense variant. On other transcripts: 5 prime UTR variant (1).
Genome position (GRCh38, 1-based): chr10:89,228,314, C>A on the plus strand (G>T on the coding strand, the complement: LIPA is on the minus strand). VCF-style: chr10-89228314-C-A. GRCh37 (hg19) VCF-style: chr10-90988071-C-A.
Other names: c.314G>T, p.Gly105Val (NM_001127605.3); c.-35G>T (NM_001288979.2); short protein forms G105V.
Identifiers: ClinVar variation 3290806 (VCV003290806.1).

ClinVar aggregate classification (germline): Uncertain significance (1 of 4 stars; one submission).

Conditions:
Cardiovascular phenotype. Identifiers: MedGen CN230736.

Submission:

Ambry Genetics
Classification: Uncertain significance for Cardiovascular phenotype. Last evaluated: 2024-04-20. Review status: criteria provided, single submitter. Criteria: Ambry Variant Classification Scheme 2023. Collection method: clinical testing. Allele origin: germline.
Comment: The p.G105V variant (also known as c.314G>T), located in coding exon 3 of the LIPA gene, results from a G to T substitution at nucleotide position 314. The glycine at codon 105 is replaced by valine, an amino acid with dissimilar properties. This amino acid position is conserved. In addition, the in silico prediction for this alteration is inconclusive. Based on the available evidence, the clinical significance of this variant remains unclear.